The following is an entry in ClinVar:

NM_014049.5(ACAD9):c.988A>C (p.Lys330Gln)

Gene: ACAD9 (acyl-CoA dehydrogenase family member 9; plus strand). Cytogenetic location: 3q21.3.
Variant type: single nucleotide variant.
Coding change: c.988A>C on transcript NM_014049.5 (MANE Select); coding-DNA position 988, A replaced by C.
Protein change: p.Lys330Gln; replaces lysine 330 with glutamine.
Molecular consequence: missense variant. On other transcripts: non-coding transcript variant (1).
Genome position (GRCh38, 1-based): chr3:128,904,091, A>C. VCF-style: chr3-128904091-A-C. GRCh37 (hg19) VCF-style: chr3-128622934-A-C.
Other names: p.K330Q:AAA>CAA; p.Lys330Gln; short protein forms K330Q.
Identifiers: ClinVar variation 136254 (VCV000136254.55), dbSNP rs79530903, ClinGen allele CA289243.

ClinVar aggregate classification (germline): Benign/Likely benign. Review status: criteria provided, multiple submitters, no conflicts (2 of 4 stars). 13 submissions from 13 submitters: Benign (6); Likely benign (5). 2 of the submissions do not count toward it. Last evaluated 2026-07-01.

Conditions:
ACAD9-related disorder. Also called: ACAD9-related condition.
Acyl-CoA dehydrogenase 9 deficiency. Also called: Acyl-CoA dehydrogenase family, member 9, deficiency of; MITOCHONDRIAL COMPLEX I DEFICIENCY, NUCLEAR TYPE 20. Identifiers: Orphanet 99901, MedGen C4747517, MONDO:0012624, OMIM 611126.

Allele frequency attached by ClinVar (database versions not stated): ESP Exome Variant Server 0.00038; gnomAD exomes 0.00097 and 0.00221; gnomAD 0.00107 and 0.00139; TOPMed 0.00157; ExAC 0.00236; 1000 Genomes Project 30x 0.00562; 1000 Genomes Project 0.00599.
gnomAD v4.1: 1,735 of 1,614,238 alleles (0.11%); highest among the groups gnomAD compares: East Asian, 2.8%; 26 homozygotes.

Submissions (13):

CeGaT Center for Human Genetics Tuebingen
Classification: Benign. Last evaluated: 2026-07-01. Review status: criteria provided, single submitter. Criteria: CeGaT Center For Human Genetics Tuebingen Variant Classification Criteria Version 2. Collection method: clinical testing. Allele origin: germline. Affected: yes. Observed: 4 variant alleles.
Comment: ACAD9: BS1, BS2

Labcorp Genetics (formerly Invitae), Labcorp
Classification: Benign. Last evaluated: 2026-01-26. Review status: criteria provided, single submitter. Criteria: Invitae Variant Classification Sherloc (09022015). Collection method: clinical testing. Allele origin: germline.

Mayo Clinic Laboratories, Mayo Clinic
Classification: Benign. Last evaluated: 2024-12-18. Review status: criteria provided, single submitter. Criteria: ACMG Guidelines, 2015. Collection method: clinical testing. Allele origin: germline. Observed: 6 variant alleles.
Comment: BS1, BS2, PP3

Blueprint Genetics
Classification: Likely benign. Last evaluated: 2024-11-26. Review status: criteria provided, single submitter. Criteria: ACMG Guidelines, 2015. Collection method: clinical testing. Allele origin: germline.

ARUP Laboratories, Molecular Genetics and Genomics, ARUP Laboratories
Classification: Benign for Acyl-CoA dehydrogenase 9 deficiency. Last evaluated: 2024-07-30. Review status: criteria provided, single submitter. Criteria: ARUP Molecular Germline Variant Investigation Process 2024. Collection method: clinical testing. Allele origin: germline.

Women's Health and Genetics/Laboratory Corporation of America, LabCorp
Classification: Likely benign. Last evaluated: 2022-05-03. Review status: criteria provided, single submitter. Criteria: LabCorp Variant Classification Summary - May 2015. Collection method: clinical testing. Allele origin: germline.

Fulgent Genetics
Classification: Likely benign for Acyl-CoA dehydrogenase 9 deficiency. Last evaluated: 2021-08-17. Review status: criteria provided, single submitter. Criteria: ACMG Guidelines, 2015. Collection method: clinical testing. Allele origin: unknown.

Illumina Laboratory Services, Illumina
Classification: Benign for Acyl-CoA dehydrogenase 9 deficiency. Last evaluated: 2017-04-27. Review status: criteria provided, single submitter. Criteria: ICSL Variant Classification Criteria 13 December 2019. Collection method: clinical testing. Allele origin: germline.
Comment: This variant was observed as part of a predisposition screen in an ostensibly healthy population. A literature search was performed for the gene, cDNA change, and amino acid change (where applicable). No publications were found based on this search. Allele frequency data from public databases was too high to be consistent with this variant causing disease. Therefore, this variant is classified as benign.

Center for Pediatric Genomic Medicine, Children's Mercy Hospital and Clinics
Classification: Likely benign. Last evaluated: 2015-06-02. Review status: criteria provided, single submitter. Criteria: ACMG Guidelines, 2015. Collection method: clinical testing. Allele origin: germline.
ClinVar note: Converted during submission from Likely Benign to Likely benign.

GeneDx
Classification: Benign. Last evaluated: 2013-04-30. Review status: criteria provided, single submitter. Criteria: GeneDx Variant Classification (06012015). Collection method: clinical testing. Allele origin: germline. Affected: yes.
Comment: This variant is considered likely benign or benign based on one or more of the following criteria: it is a conservative change, it occurs at a poorly conserved position in the protein, it is predicted to be benign by multiple in silico algorithms, and/or has population frequency not consistent with disease.

Breakthrough Genomics
Classification: Likely benign. Review status: criteria provided, single submitter. Criteria: ACMG Guidelines, 2015. Collection method: not provided. Allele origin: germline. Inheritance: Autosomal recessive inheritance. Affected: yes.

PreventionGenetics, part of Exact Sciences
Classification: Benign for ACAD9-related condition. Last evaluated: 2020-06-29. Review status: no assertion criteria provided. Collection method: clinical testing. Allele origin: germline. Not counted in ClinVar's aggregate classification.
Comment: This variant is classified as benign based on ACMG/AMP sequence variant interpretation guidelines (Richards et al. 2015 PMID: 25741868, with internal and published modifications).

Natera, Inc.
Classification: Benign for ACAD9 deficiency. Last evaluated: 2019-12-16. Review status: no assertion criteria provided. Collection method: clinical testing. Allele origin: germline. Not counted in ClinVar's aggregate classification.

Literature cited by the submitters: PubMed 30025539 (cited by Mayo Clinic Laboratories, Mayo Clinic).